The following is an entry in ClinVar:

ClinVar aggregate classification (germline): Uncertain significance (1 of 4 stars; one submission).

Allele frequency attached by ClinVar (database versions not stated): TOPMed below 0.00001; ExAC 0.00001; gnomAD exomes below 0.00001.
gnomAD v4.1: 1 of 1,614,172 alleles (0.000062%); highest among the groups gnomAD compares: Non-Finnish European, 0.000085%; no homozygotes.

Submission:

GeneDx
Classification: Uncertain significance. Last evaluated: 2020-10-20. Review status: criteria provided, single submitter. Criteria: GeneDx Variant Classification Process June 2021. Collection method: clinical testing. Allele origin: germline. Affected: yes.
Comment: Not observed at a significant frequency in large population cohorts (Lek et al., 2016); Has not been previously published as pathogenic or benign to our knowledge; In-silico analysis, which includes splice predictors and evolutionary conservation, is inconclusive as to whether the variant alters gene splicing. In the absence of RNA/functional studies, the actual effect of this sequence change is unknown.

NM_032409.3(PINK1):c.915T>A (p.Pro305=)

Genes: PINK1 (PTEN induced kinase 1; plus strand), PINK1-AS (PINK1 antisense RNA; minus strand). Cytogenetic location: 1p36.12.
Variant type: single nucleotide variant.
Coding change: c.915T>A on transcript NM_032409.3 (MANE Select); coding-DNA position 915, T replaced by A.
Protein change: p.Pro305=; no amino-acid change (proline 305 retained).
Molecular consequence: synonymous variant.
Genome position (GRCh38, 1-based): chr1:20,644,628, T>A. VCF-style: chr1-20644628-T-A. GRCh37 (hg19) VCF-style: chr1-20971121-T-A.
Identifiers: ClinVar variation 1313415 (VCV001313415.2), dbSNP rs762673179, ClinGen allele CA660576.